The following is an entry in ClinVar:

ClinVar aggregate classification (germline): Likely benign (0 of 4 stars; one submission).

Conditions:
MYOF-related disorder. Also called: MYOF-related condition.

Allele frequency attached by ClinVar (database versions not stated): gnomAD exomes 0.00016; ExAC 0.00057; 1000 Genomes Project 0.00100; 1000 Genomes Project 30x 0.00109; ESP Exome Variant Server 0.00168; gnomAD 0.00206; TOPMed 0.00247.

Submission:

PreventionGenetics, part of Exact Sciences
Classification: Likely benign for MYOF-related condition. Last evaluated: 2020-01-13. Review status: no assertion criteria provided. Collection method: clinical testing. Allele origin: germline.
Comment: This variant is classified as likely benign based on ACMG/AMP sequence variant interpretation guidelines (Richards et al. 2015 PMID: 25741868, with internal and published modifications).

NM_013451.4(MYOF):c.3544C>T (p.Leu1182=)

Gene: MYOF (myoferlin; minus strand). Cytogenetic location: 10q23.33.
Variant type: single nucleotide variant.
Coding change: c.3544C>T on transcript NM_013451.4 (MANE Select); coding-DNA position 3544, C replaced by T.
Protein change: p.Leu1182=; no amino-acid change (leucine 1182 retained).
Molecular consequence: synonymous variant.
Genome position (GRCh38, 1-based): chr10:93,351,784, G>A on the plus strand (C>T on the coding strand, the complement: MYOF is on the minus strand). VCF-style: chr10-93351784-G-A. GRCh37 (hg19) VCF-style: chr10-95111541-G-A.
Other names: c.3505C>T, p.Leu1169= (NM_133337.3).
Identifiers: ClinVar variation 3035327 (VCV003035327.2), dbSNP rs140479409, ClinGen allele CA5607440.